The following is an entry in ClinVar:

ClinVar aggregate classification (germline): Uncertain significance. Review status: criteria provided, multiple submitters, no conflicts (2 of 4 stars). 2 submissions from 2 submitters: Uncertain significance (2). Last evaluated 2023-12-31.

Conditions:
Cardiovascular phenotype. Identifiers: MedGen CN230736.
Long QT syndrome 10 (LQT10). Identifiers: Orphanet 101016, Orphanet 768, MedGen C2678484, MONDO:0012737, OMIM 611819.

Allele frequency attached by ClinVar (database versions not stated): gnomAD exomes below 0.00001.
gnomAD v4.1: 3 of 1,613,004 alleles (0.00019%); highest among the groups gnomAD compares: South Asian, 0.0011%; no homozygotes.

Submissions (2):

Labcorp Genetics (formerly Invitae), Labcorp
Classification: Uncertain significance for Long QT syndrome 10. Last evaluated: 2023-12-31. Review status: criteria provided, single submitter. Criteria: Invitae Variant Classification Sherloc (09022015). Collection method: clinical testing. Allele origin: germline.
Comment: This sequence change replaces arginine, which is basic and polar, with tryptophan, which is neutral and slightly polar, at codon 195 of the SCN4B protein (p.Arg195Trp). This variant is not present in population databases (gnomAD no frequency). This variant has not been reported in the literature in individuals affected with SCN4B-related conditions. ClinVar contains an entry for this variant (Variation ID: 518541). An algorithm developed to predict the effect of missense changes on protein structure and function (PolyPhen-2) suggests that this variant is likely to be disruptive. In summary, the available evidence is currently insufficient to determine the role of this variant in disease. Therefore, it has been classified as a Variant of Uncertain Significance.

Ambry Genetics
Classification: Uncertain significance for Cardiovascular phenotype. Last evaluated: 2016-07-15. Review status: criteria provided, single submitter. Criteria: Ambry Variant Classification Scheme 2023. Collection method: clinical testing. Allele origin: germline.
Comment: The p.R195W variant (also known as c.583C>T), located in coding exon 4 of the SCN4B gene, results from a C to T substitution at nucleotide position 583. The arginine at codon 195 is replaced by tryptophan, an amino acid with dissimilar properties. This variant was not reported in population based cohorts in the following databases: Database of Single Nucleotide Polymorphisms (dbSNP), NHLBI Exome Sequencing Project (ESP), and 1000 Genomes Project. In the ESP, this variant was not observed in 6496 samples (12992 alleles) with coverage at this position. This amino acid position is poorly conserved in available vertebrate species. In addition, the in silico prediction for this alteration is inconclusive. Since supporting evidence is limited at this time, the clinical significance of this alteration remains unclear.

NM_174934.4(SCN4B):c.583C>T (p.Arg195Trp)

Gene: SCN4B (sodium voltage-gated channel beta subunit 4; minus strand). Cytogenetic location: 11q23.3.
Variant type: single nucleotide variant.
Coding change: c.583C>T on transcript NM_174934.4 (MANE Select); coding-DNA position 583, C replaced by T.
Protein change: p.Arg195Trp; replaces arginine 195 with tryptophan.
Molecular consequence: missense variant. On other transcripts: non-coding transcript variant (1).
Genome position (GRCh38, 1-based): chr11:118,141,217, G>A on the plus strand (C>T on the coding strand, the complement: SCN4B is on the minus strand). VCF-style: chr11-118141217-G-A. GRCh37 (hg19) VCF-style: chr11-118011932-G-A.
Other names: c.181C>T, p.Arg61Trp (NM_001142348.2); c.253C>T, p.Arg85Trp (NM_001142349.2); short protein forms R195W, R61W, R85W.
Identifiers: ClinVar variation 518541 (VCV000518541.8), dbSNP rs945490950, ClinGen allele CA229487200.
Genomic context (GRCh38, chr11:118,141,217, plus strand): 5'-GAGGGTGGTGGGCTGCTGGGAGGACAGGAGTGTGCTCCAGATCAACTCACTTCTTCTCCC[G>A]AGTCTTCTTCAGGATGAAGATGATGAGTTTCTTGATCAGCAGGATGAGGATGAGGAGCCC-3'
Protein context (NP_777594.1, residues 185-205): KLIIFILKKT[Arg195Trp]EKKKECLVSS